The following is an entry in ClinVar:

NM_004385.5(VCAN):c.9502A>G (p.Thr3168Ala)

Genes: VCAN (versican; plus strand), VCAN-AS1 (VCAN antisense RNA 1; minus strand). Cytogenetic location: 5q14.3.
Variant type: single nucleotide variant.
Coding change: c.9502A>G on transcript NM_004385.5 (MANE Select); coding-DNA position 9502, A replaced by G.
Protein change: p.Thr3168Ala; replaces threonine 3168 with alanine.
Molecular consequence: missense variant.
Genome position (GRCh38, 1-based): chr5:83,553,372, A>G. VCF-style: chr5-83553372-A-G. GRCh37 (hg19) VCF-style: chr5-82849191-A-G.
Other names: c.1279A>G, p.Thr427Ala (NM_001126336.3); c.6541A>G, p.Thr2181Ala (NM_001164097.2); c.4240A>G, p.Thr1414Ala (NM_001164098.2); short protein forms T427A, T3168A, T2181A, T1414A.
Identifiers: ClinVar variation 4763864 (VCV004763864.1).
Genomic context (GRCh38, chr5:83,553,372, plus strand): 5'-AAGTTTGAATGACGTATGTGCGTTTAATAAGCTCCTGCCTGTTTCTTCTCAGATACCGAG[A>G]CATGTGACTATGGCTGGCACAAATTCCAAGGGCAGTGCTACAAATACTTTGCCCATCGAC-3'
Protein context (NP_004376.2, residues 3158-3178): VGALCEQDTE[Thr3168Ala]CDYGWHKFQG

ClinVar aggregate classification (germline): Uncertain significance (1 of 4 stars; one submission).

gnomAD v4.1: 2 of 1,614,012 alleles (0.00012%); highest among the groups gnomAD compares: South Asian, 0.0011%; no homozygotes.

Submission:

Labcorp Genetics (formerly Invitae), Labcorp
Classification: Uncertain significance. Last evaluated: 2025-02-20. Review status: criteria provided, single submitter. Criteria: Invitae Variant Classification Sherloc (09022015). Collection method: clinical testing. Allele origin: germline.
Comment: This sequence change replaces threonine, which is neutral and polar, with alanine, which is neutral and non-polar, at codon 3168 of the VCAN protein (p.Thr3168Ala). This variant is present in population databases (rs752816468, gnomAD 0.003%). This variant has not been reported in the literature in individuals affected with VCAN-related conditions. An algorithm developed to predict the effect of missense changes on protein structure and function (PolyPhen-2) suggests that this variant is likely to be tolerated. In summary, the available evidence is currently insufficient to determine the role of this variant in disease. Therefore, it has been classified as a Variant of Uncertain Significance.